The following is an entry in ClinVar:

ClinVar aggregate classification (germline): Uncertain significance (1 of 4 stars; one submission).

Conditions:
Primary ciliary dyskinesia. Also called: Ciliary dyskinesia. Identifiers: Orphanet 244, MedGen C0008780, MONDO:0016575, HP:0012265.

Allele frequency attached by ClinVar (database versions not stated): gnomAD exomes below 0.00001; ExAC 0.00001; gnomAD 0.00001; TOPMed 0.00001.
gnomAD v4.1: 2 of 1,612,556 alleles (0.00012%); highest among the groups gnomAD compares: African/African-American, 0.0027%; no homozygotes.

Submission:

Labcorp Genetics (formerly Invitae), Labcorp
Classification: Uncertain significance for Primary ciliary dyskinesia. Last evaluated: 2018-05-30. Review status: criteria provided, single submitter. Criteria: Invitae Variant Classification Sherloc (09022015). Collection method: clinical testing. Allele origin: germline.
Comment: In summary, the available evidence is currently insufficient to determine the role of this variant in disease. Therefore, it has been classified as a Variant of Uncertain Significance. Algorithms developed to predict the effect of missense changes on protein structure and function are either unavailable or do not agree on the potential impact of this missense change (SIFT: "Tolerated"; PolyPhen-2: "Not Available"; Align-GVGD: "Class C0"). This variant has not been reported in the literature in individuals with DNAH8-related disease. This variant is present in population databases (rs778505007, ExAC 0.01%). This sequence change replaces arginine with tryptophan at codon 62 of the DNAH8 protein (p.Arg62Trp). The arginine residue is weakly conserved and there is a moderate physicochemical difference between arginine and tryptophan.

NM_001206927.2(DNAH8):c.184C>T (p.Arg62Trp)

Genes: DNAH8 (dynein axonemal heavy chain 8; plus strand), LOC126859667 (BRD4-independent group 4 enhancer GRCh37_chr6:38690326-38691525; plus strand). Cytogenetic location: 6p21.2.
Variant type: single nucleotide variant.
Coding change: c.184C>T on transcript NM_001206927.2 (MANE Select); coding-DNA position 184, C replaced by T.
Protein change: p.Arg62Trp; replaces arginine 62 with tryptophan.
Molecular consequence: missense variant. On other transcripts: 5 prime UTR variant (1).
Genome position (GRCh38, 1-based): chr6:38,722,993, C>T. VCF-style: chr6-38722993-C-T. GRCh37 (hg19) VCF-style: chr6-38690769-C-T.
Other names: c.-383C>T (NM_001371.4); short protein forms R62W.
Identifiers: ClinVar variation 574871 (VCV000574871.8), dbSNP rs778505007, ClinGen allele CA3787878.
Genomic context (GRCh38, chr6:38,722,993, plus strand): 5'-CCGGCAGAAGATGGTTTCTCTCCTTCCGCAGAAGATGCTGTTTCTTCTGTGGTGGATTAT[C>T]GGGATCTCATTCCTTCTGAAGAAGGGATAGTTCTTCCAGATGATCATGAAGCGGATCTGA-3'
Protein context (NP_001193856.1, residues 52-72): EDAVSSVVDY[Arg62Trp]DLIPSEEGIV